The following is an entry in ClinVar:

NM_031935.3(HMCN1):c.3811T>C (p.Tyr1271His)

Gene: HMCN1 (hemicentin 1; plus strand). Cytogenetic location: 1q31.1.
Variant type: single nucleotide variant.
Coding change: c.3811T>C on transcript NM_031935.3 (MANE Select); coding-DNA position 3811, T replaced by C.
Protein change: p.Tyr1271His; replaces tyrosine 1271 with histidine.
Molecular consequence: missense variant.
Genome position (GRCh38, 1-based): chr1:185,997,461, T>C. VCF-style: chr1-185997461-T-C. GRCh37 (hg19) VCF-style: chr1-185966593-T-C.
Other names: c.3811T>C (NM_031935.2); short protein forms Y1271H.
Identifiers: ClinVar variation 1469944 (VCV001469944.8), dbSNP rs188408556, ClinGen allele CA1291822.

ClinVar aggregate classification (germline): Uncertain significance. Review status: criteria provided, multiple submitters, no conflicts (2 of 4 stars). 2 submissions from 2 submitters: Uncertain significance (2). Last evaluated 2026-01-23.

Allele frequency attached by ClinVar (database versions not stated): gnomAD exomes 0.00001; ExAC 0.00002; gnomAD 0.00002 and 0.00003; TOPMed 0.00008; 1000 Genomes Project 0.00020; 1000 Genomes Project 30x 0.00031.
gnomAD v4.1: 23 of 1,612,616 alleles (0.0014%); highest among the groups gnomAD compares: Admixed American, 0.01%; no homozygotes.

Submissions (2):

Labcorp Genetics (formerly Invitae), Labcorp
Classification: Uncertain significance. Last evaluated: 2026-01-23. Review status: criteria provided, single submitter. Criteria: Invitae Variant Classification Sherloc (09022015). Collection method: clinical testing. Allele origin: germline.
Comment: This sequence change replaces tyrosine, which is neutral and polar, with histidine, which is basic and polar, at codon 1271 of the HMCN1 protein (p.Tyr1271His). This variant is present in population databases (rs188408556, gnomAD 0.0009%). This variant has not been reported in the literature in individuals affected with HMCN1-related conditions. ClinVar contains an entry for this variant (Variation ID: 1469944). An algorithm developed to predict the effect of missense changes on protein structure and function (PolyPhen-2) suggests that this variant is likely to be disruptive. In summary, the available evidence is currently insufficient to determine the role of this variant in disease. Therefore, it has been classified as a Variant of Uncertain Significance.

Ambry Genetics
Classification: Uncertain significance. Last evaluated: 2025-11-13. Review status: criteria provided, single submitter. Criteria: Ambry Variant Classification Scheme 2023. Collection method: clinical testing. Allele origin: germline.